The following is an entry in ClinVar:

ClinVar aggregate classification (germline): Uncertain significance (1 of 4 stars; one submission).

Allele frequency attached by ClinVar (database versions not stated): gnomAD exomes below 0.00001; TOPMed 0.00001.
gnomAD v4.1: 1 of 1,614,168 alleles (0.000062%); highest among the groups gnomAD compares: Non-Finnish European, 0.000085%; no homozygotes.

Submission:

Labcorp Genetics (formerly Invitae), Labcorp
Classification: Uncertain significance. Last evaluated: 2025-11-23. Review status: criteria provided, single submitter. Criteria: Invitae Variant Classification Sherloc (09022015). Collection method: clinical testing. Allele origin: germline.
Comment: This sequence change replaces isoleucine, which is neutral and non-polar, with valine, which is neutral and non-polar, at codon 833 of the GRIN2D protein (p.Ile833Val). This variant is not present in population databases (gnomAD no frequency). This variant has not been reported in the literature in individuals affected with GRIN2D-related conditions. ClinVar contains an entry for this variant (Variation ID: 1505540). Invitae Evidence Modeling of protein sequence and biophysical properties (such as structural, functional, and spatial information, amino acid conservation, physicochemical variation, residue mobility, and thermodynamic stability) indicates that this missense variant is not expected to disrupt GRIN2D protein function with a negative predictive value of 80%. In summary, the available evidence is currently insufficient to determine the role of this variant in disease. Therefore, it has been classified as a Variant of Uncertain Significance.

NM_000836.4(GRIN2D):c.2497A>G (p.Ile833Val)

Gene: GRIN2D (glutamate ionotropic receptor NMDA type subunit 2D; plus strand). Cytogenetic location: 19q13.33.
Variant type: single nucleotide variant.
Coding change: c.2497A>G on transcript NM_000836.4 (MANE Select); coding-DNA position 2497, A replaced by G.
Protein change: p.Ile833Val; replaces isoleucine 833 with valine.
Molecular consequence: missense variant.
Genome position (GRCh38, 1-based): chr19:48,442,206, A>G. VCF-style: chr19-48442206-A-G. GRCh37 (hg19) VCF-style: chr19-48945463-A-G.
Other names: short protein forms I833V.
Identifiers: ClinVar variation 1505540 (VCV001505540.7), dbSNP rs1971303779, ClinGen allele CA406670140.